The following is an entry in ClinVar:

NM_005334.3(HCFC1):c.2984C>A (p.Thr995Asn)

Gene: HCFC1 (host cell factor C1; minus strand). Cytogenetic location: Xq28.
Variant type: single nucleotide variant.
Coding change: c.2984C>A on transcript NM_005334.3 (MANE Select); coding-DNA position 2984, C replaced by A.
Protein change: p.Thr995Asn; replaces threonine 995 with asparagine.
Molecular consequence: missense variant.
Genome position (GRCh38, 1-based): chrX:153,955,415, G>T on the plus strand (C>A on the coding strand, the complement: HCFC1 is on the minus strand). VCF-style: chrX-153955415-G-T. GRCh37 (hg19) VCF-style: chrX-153220866-G-T.
Other names: c.2984C>A, p.Thr995Asn (NM_001410705.1, NM_001440843.1, NM_001440844.1 and 5 more transcripts); c.2786C>A, p.Thr929Asn (NM_001440850.1, NM_001440851.1); short protein forms T929N, T995N.
Identifiers: ClinVar variation 4086412 (VCV004086412.1).
Genomic context (GRCh38, chrX:153,955,415, plus strand): 5'-TTGGAGCACACCAAGGTGACAGTGCCAGGCTGCACATCACCCTGGCCTGAGTCGGCGATG[G>T]TAACTGTGGCGGTGGGCTGTTCTGTAGTCGGGGAGGCCAGAATGGACACAGGGAGGTCAT-3'
Protein context (NP_005325.2, residues 985-1005): PTTEQPTATV[Thr995Asn]IADSGQGDVQ

ClinVar aggregate classification (germline): Uncertain significance (1 of 4 stars; one submission).

Submission:

GeneDx
Classification: Uncertain significance. Last evaluated: 2025-03-21. Review status: criteria provided, single submitter. Criteria: GeneDx Variant Classification Process June 2021. Collection method: clinical testing. Allele origin: germline. Affected: yes.
Comment: Not observed at significant frequency in large population cohorts (gnomAD); In silico analysis indicates that this missense variant does not alter protein structure/function; Has not been previously published as pathogenic or benign to our knowledge